The following is an entry in ClinVar:

ClinVar aggregate classification (germline): Uncertain significance (1 of 4 stars; one submission).

Submission:

Labcorp Genetics (formerly Invitae), Labcorp
Classification: Uncertain significance. Last evaluated: 2023-10-29. Review status: criteria provided, single submitter. Criteria: Invitae Variant Classification Sherloc (09022015). Collection method: clinical testing. Allele origin: germline.
Comment: This variant, c.2058_2066del, results in the deletion of 3 amino acid(s) of the ZMIZ1 protein (p.Arg688_Val690del), but otherwise preserves the integrity of the reading frame. This variant is not present in population databases (gnomAD no frequency). This variant has not been reported in the literature in individuals affected with ZMIZ1-related conditions. Experimental studies and prediction algorithms are not available or were not evaluated, and the functional significance of this variant is currently unknown. In summary, the available evidence is currently insufficient to determine the role of this variant in disease. Therefore, it has been classified as a Variant of Uncertain Significance.

NM_020338.4(ZMIZ1):c.2058_2066del (p.Arg688_Val690del)

Gene: ZMIZ1 (zinc finger MIZ-type containing 1; plus strand). Cytogenetic location: 10q22.3.
Variant type: Deletion.
Coding change: c.2058_2066del on transcript NM_020338.4 (MANE Select); coding-DNA positions 2058 to 2066, 9 bases deleted (CGTCCGCTC; older notation c.2058_2066delCGTCCGCTC).
Protein change: p.Arg688_Val690del.
Molecular consequence: inframe deletion.
Genome position (GRCh38, 1-based): chr10:79,302,145-79,302,153, CGTCCGCTC deleted; deleting any 9 consecutive bases within chr10:79,302,142-79,302,153 gives the same sequence; the c. name uses the placement nearest the transcript's 3' end. VCF-style (leftmost placement, unchanged base first): chr10-79302141-CCTCCGTCCG-C. GRCh37 (hg19) VCF-style: chr10-81061898-CCTCCGTCCG-C.
Identifiers: ClinVar variation 2772577 (VCV002772577.3), dbSNP rs2492157402, ClinGen allele CA2697558643.
Genomic context (GRCh38, chr10:79,302,141, plus strand): 5'-ACTGAGTGTCTCCTCTCTCCCCGCAGTCCCACCTCTTCGTGCTGCAGCTGGTACACCGGC[CCTCCGTCCG>C]CTCTGTGCTGCAAGGACTCCTCAAGAAGCGCCTCCTGCCCGCAGAGCACTGTATCACGAA-3'